The following is an entry in ClinVar:

ClinVar aggregate classification (germline): Uncertain significance (1 of 4 stars; one submission).

Conditions:
Inborn genetic diseases. Identifiers: MedGen C0950123, MeSH D030342.

gnomAD v4.1: 2 of 1,613,592 alleles (0.00012%); highest among the groups gnomAD compares: Non-Finnish European, 0.00017%; no homozygotes.

Submission:

Ambry Genetics
Classification: Uncertain significance for Inborn genetic diseases. Last evaluated: 2024-06-17. Review status: criteria provided, single submitter. Criteria: Ambry Variant Classification Scheme 2023. Collection method: clinical testing. Allele origin: germline.
Comment: The p.E449K variant (also known as c.1345G>A), located in coding exon 5 of the ATR gene, results from a G to A substitution at nucleotide position 1345. The glutamic acid at codon 449 is replaced by lysine, an amino acid with similar properties. This amino acid position is conserved. In addition, this alteration is predicted to be tolerated by in silico analysis. Based on the available evidence, the clinical significance of this variant remains unclear.

NM_001184.4(ATR):c.1345G>A (p.Glu449Lys)

Gene: ATR (ATR serine/threonine kinase; minus strand). Cytogenetic location: 3q23.
Variant type: single nucleotide variant.
Coding change: c.1345G>A on transcript NM_001184.4 (MANE Select); coding-DNA position 1345, G replaced by A.
Protein change: p.Glu449Lys; replaces glutamic acid 449 with lysine.
Molecular consequence: missense variant.
Genome position (GRCh38, 1-based): chr3:142,561,247, C>T on the plus strand (G>A on the coding strand, the complement: ATR is on the minus strand). VCF-style: chr3-142561247-C-T. GRCh37 (hg19) VCF-style: chr3-142280089-C-T.
Other names: c.1345G>A, p.Glu449Lys (NM_001354579.2); short protein forms E449K.
Identifiers: ClinVar variation 3330798 (VCV003330798.1).